The following is an entry in ClinVar:

ClinVar aggregate classification (germline): Uncertain significance (1 of 4 stars; one submission).

Allele frequency attached by ClinVar (database versions not stated): TOPMed below 0.00001.
gnomAD v4.1: 3 of 1,551,104 alleles (0.00019%); highest among the groups gnomAD compares: Admixed American, 0.0059%; no homozygotes.

Submission:

Labcorp Genetics (formerly Invitae), Labcorp
Classification: Uncertain significance. Last evaluated: 2023-03-03. Review status: criteria provided, single submitter. Criteria: Invitae Variant Classification Sherloc (09022015). Collection method: clinical testing. Allele origin: germline.
Comment: This sequence change replaces leucine, which is neutral and non-polar, with isoleucine, which is neutral and non-polar, at codon 1399 of the LOXHD1 protein (p.Leu1399Ile). This variant is present in population databases (no rsID available, gnomAD 0.008%). This variant has not been reported in the literature in individuals affected with LOXHD1-related conditions. An algorithm developed to predict the effect of missense changes on protein structure and function (PolyPhen-2) suggests that this variant is likely to be disruptive. In summary, the available evidence is currently insufficient to determine the role of this variant in disease. Therefore, it has been classified as a Variant of Uncertain Significance.

NM_001384474.1(LOXHD1):c.4195C>A (p.Leu1399Ile)

Gene: LOXHD1 (lipoxygenase homology PLAT domains 1; minus strand). Cytogenetic location: 18q21.1.
Variant type: single nucleotide variant.
Coding change: c.4195C>A on transcript NM_001384474.1 (MANE Select); coding-DNA position 4195, C replaced by A.
Protein change: p.Leu1399Ile; replaces leucine 1399 with isoleucine.
Molecular consequence: missense variant.
Genome position (GRCh38, 1-based): chr18:46,534,352, G>T on the plus strand (C>A on the coding strand, the complement: LOXHD1 is on the minus strand). VCF-style: chr18-46534352-G-T. GRCh37 (hg19) VCF-style: chr18-44114315-G-T.
Other names: c.862C>A, p.Leu288Ile (NM_001145472.3); c.574C>A, p.Leu192Ile (NM_001308013.2); c.4195C>A, p.Leu1399Ile (NM_144612.7); short protein forms L1399I, L192I, L288I.
Identifiers: ClinVar variation 2722281 (VCV002722281.3), dbSNP rs1334282008, ClinGen allele CA402375583.
Genomic context (GRCh38, chr18:46,534,352, plus strand): 5'-AAGGGACAAAAGAAACAGCAGGACAGACCAGTCAACAACTCACGTCTTTATCCGGGAGGA[G>T]CCTGCGGATGTCCACGTGAGAGCAGTGCCACCCAGGATTCATGCCCGTGTTATTATGGCC-3'
Protein context (NP_001371403.1, residues 1389-1409): WHCSHVDIRR[Leu1399Ile]LPDKDGAETL